The following is an entry in ClinVar:

ClinVar aggregate classification (germline): Uncertain significance (1 of 4 stars; one submission).

Conditions:
Fanconi anemia (FA). Also called: Fanconi's anemia. Identifiers: Orphanet 84, MedGen C0015625, MeSH D005199, MONDO:0019391.

Allele frequency attached by ClinVar (database versions not stated): gnomAD exomes below 0.00001.
gnomAD v4.1: 2 of 1,614,222 alleles (0.00012%); highest among the groups gnomAD compares: Non-Finnish European, 0.00017%; no homozygotes.

Submission:

Labcorp Genetics (formerly Invitae), Labcorp
Classification: Uncertain significance for Fanconi anemia. Last evaluated: 2023-12-09. Review status: criteria provided, single submitter. Criteria: Invitae Variant Classification Sherloc (09022015). Collection method: clinical testing. Allele origin: germline.
Comment: This sequence change replaces asparagine, which is neutral and polar, with threonine, which is neutral and polar, at codon 159 of the SLX4 protein (p.Asn159Thr). This variant is present in population databases (no rsID available, gnomAD 0.0009%). This variant has not been reported in the literature in individuals affected with SLX4-related conditions. Algorithms developed to predict the effect of missense changes on protein structure and function output the following: SIFT: "Not Available"; PolyPhen-2: "Benign"; Align-GVGD: "Not Available". The threonine amino acid residue is found in multiple mammalian species, which suggests that this missense change does not adversely affect protein function. In summary, the available evidence is currently insufficient to determine the role of this variant in disease. Therefore, it has been classified as a Variant of Uncertain Significance.

NM_032444.4(SLX4):c.476A>C (p.Asn159Thr)

Gene: SLX4 (SLX4 structure-specific endonuclease subunit; minus strand). Cytogenetic location: 16p13.3.
Variant type: single nucleotide variant.
Coding change: c.476A>C on transcript NM_032444.4 (MANE Select); coding-DNA position 476, A replaced by C.
Protein change: p.Asn159Thr; replaces asparagine 159 with threonine.
Molecular consequence: missense variant.
Genome position (GRCh38, 1-based): chr16:3,608,489, T>G on the plus strand (A>C on the coding strand, the complement: SLX4 is on the minus strand). VCF-style: chr16-3608489-T-G. GRCh37 (hg19) VCF-style: chr16-3658490-T-G.
Other names: short protein forms N159T.
Identifiers: ClinVar variation 2735253 (VCV002735253.3), dbSNP rs1313256909, ClinGen allele CA394547163.